The following is an entry in ClinVar:

NM_018389.5(SLC35C1):c.*1404G>A

Gene: SLC35C1 (solute carrier family 35 member C1; plus strand). Cytogenetic location: 11p11.2.
Variant type: single nucleotide variant.
Coding change: c.*1404G>A on transcript NM_018389.5 (MANE Select); 1404 bases downstream of the stop codon, G replaced by A.
Molecular consequence: 3 prime UTR variant.
Genome position (GRCh38, 1-based): chr11:45,812,739, G>A. VCF-style: chr11-45812739-G-A. GRCh37 (hg19) VCF-style: chr11-45834290-G-A.
Other names: c.*1404G>A (NM_001145265.2, NM_001145266.2).
Identifiers: ClinVar variation 304763 (VCV000304763.6), dbSNP rs142012266, ClinGen allele CA10634944.

ClinVar aggregate classification (germline): Benign. Review status: criteria provided, multiple submitters, no conflicts (2 of 4 stars). 2 submissions from 2 submitters: Benign (2). Last evaluated 2018-01-13.

Conditions:
Leukocyte adhesion deficiency type II. Also called: CONGENITAL DISORDER OF GLYCOSYLATION, TYPE IIc; CDG IIc; Congenital disorder of glycosylation type 2C; CDG 2C; Leukocyte adhesion deficiency type 2; Rambam Hasharon syndrome. Identifiers: Orphanet 2968, Orphanet 99843, MedGen C0398739, MONDO:0009953, OMIM 266265.

Allele frequency attached by ClinVar (database versions not stated): gnomAD 0.00295 and 0.00399; gnomAD exomes 0.00552; TOPMed 0.00652; 1000 Genomes Project 0.01597; 1000 Genomes Project 30x 0.01671.
gnomAD v4.1: 2,199 of 446,022 alleles (0.49%); highest among the groups gnomAD compares: East Asian, 5.2%; 39 homozygotes.

Submissions (2):

Illumina Laboratory Services, Illumina
Classification: Benign for Leukocyte adhesion deficiency type II. Last evaluated: 2018-01-13. Review status: criteria provided, single submitter. Criteria: ICSL Variant Classification Criteria 13 December 2019. Collection method: clinical testing. Allele origin: germline.
Comment: This variant was observed in the ICSL laboratory as part of a predisposition screen in an ostensibly healthy population. It had not been previously curated by ICSL or reported in the Human Gene Mutation Database (HGMD: prior to June 1st, 2018), and was therefore a candidate for classification through an automated scoring system. Utilizing variant allele frequency, disease prevalence and penetrance estimates, and inheritance mode, an automated score was calculated to assess if this variant is too frequent to cause the disease. Based on the score and internal cut-off values, a variant classified as benign is not then subjected to further curation. The score for this variant resulted in a classification of benign for this disease.

Breakthrough Genomics
Classification: Benign. Review status: criteria provided, single submitter. Criteria: ACMG Guidelines, 2015. Collection method: not provided. Allele origin: germline. Inheritance: Autosomal recessive inheritance. Affected: yes.